The following is an entry in ClinVar:

ClinVar aggregate classification (germline): Likely benign (1 of 4 stars; one submission).

gnomAD v4.1: 2 of 1,231,198 alleles (0.00016%); highest among the groups gnomAD compares: Non-Finnish European, 0.0001%; no homozygotes.

Submission:

CeGaT Center for Human Genetics Tuebingen
Classification: Likely benign. Last evaluated: 2022-10-01. Review status: criteria provided, single submitter. Criteria: CeGaT Center For Human Genetics Tuebingen Variant Classification Criteria Version 2. Collection method: clinical testing. Allele origin: germline. Affected: yes. Observed: 1 variant allele.
Comment: CPE: PM2:Supporting, BP4, BP7

NM_001873.4(CPE):c.6C>G (p.Ala2=)

Genes: CPE (carboxypeptidase E; plus strand), LOC129993339 (ATAC-STARR-seq lymphoblastoid silent region 15785; plus strand). Cytogenetic location: 4q32.3.
Variant type: single nucleotide variant.
Coding change: c.6C>G on transcript NM_001873.4 (MANE Select); coding-DNA position 6, C replaced by G.
Protein change: p.Ala2=; no amino-acid change (alanine 2 retained).
Molecular consequence: synonymous variant.
Genome position (GRCh38, 1-based): chr4:165,379,227, C>G. VCF-style: chr4-165379227-C-G. GRCh37 (hg19) VCF-style: chr4-166300379-C-G.
Identifiers: ClinVar variation 2655170 (VCV002655170.24), dbSNP rs1452620983, ClinGen allele CA442117705.